The following is an entry in ClinVar:

NM_020944.3(GBA2):c.1905G>A (p.Thr635=)

Gene: GBA2 (glucosylceramidase beta 2; minus strand). Cytogenetic location: 9p13.3.
Variant type: single nucleotide variant.
Coding change: c.1905G>A on transcript NM_020944.3 (MANE Select); coding-DNA position 1905, G replaced by A.
Protein change: p.Thr635=; no amino-acid change (threonine 635 retained).
Molecular consequence: synonymous variant.
Genome position (GRCh38, 1-based): chr9:35,738,794, C>T on the plus strand (G>A on the coding strand, the complement: GBA2 is on the minus strand). VCF-style: chr9-35738794-C-T. GRCh37 (hg19) VCF-style: chr9-35738791-C-T.
Other names: c.1905G>A, p.Thr635= (NM_001330660.2); c.1905G>A (NM_020944.2).
Identifiers: ClinVar variation 989169 (VCV000989169.7), dbSNP rs369401526, ClinGen allele CA5050254.
Genomic context (GRCh38, chr9:35,738,794, plus strand): 5'-TGCATGTGCATCCCTTACTAGACACACAGGCCACATGTCCTTCAGGAAGTTTTGATCACC[C>T]GTGAGGTAATAGTCCCGATAAACCTGCAGCACAAACTTCAGGTTCAGGTCCTTCCAATCA-3'
Protein context (NP_065995.1, residues 625-645): VLQVYRDYYL[Thr635=]GDQNFLKDMW

ClinVar aggregate classification (germline): Conflicting classifications of pathogenicity. Review status: criteria provided, conflicting classifications (1 of 4 stars). 3 submissions from 3 submitters: Likely pathogenic (1); Uncertain significance (2). Last evaluated 2023-05-03.

Conditions:
Spastic paraplegia. Identifiers: MedGen C0037772, HP:0001258.

Allele frequency attached by ClinVar (database versions not stated): ExAC 0.00002; gnomAD exomes below 0.00001; gnomAD 0.00001 and 0.00002; ESP Exome Variant Server 0.00015; TOPMed 0.00003.
gnomAD v4.1: 37 of 1,614,056 alleles (0.0023%); highest among the groups gnomAD compares: Non-Finnish European, 0.0028%; no homozygotes.

Submissions (4):

GeneDx
Classification: Likely pathogenic. Last evaluated: 2023-05-03. Review status: criteria provided, single submitter. Criteria: GeneDx Variant Classification Process June 2021. Collection method: clinical testing. Allele origin: germline. Affected: yes.
Comment: Internal targeted RNA studies in blood from a different patient referred for genetic testing at GeneDx demonstrate this variant alters RNA splicing and causes a deletion of the last 41 nucleotides of exon 12, leading to a frameshift that generates a premature stop codon that is predicted to lead to nonsense mediated decay or protein truncation; Not observed at significant frequency in large population cohorts (gnomAD); Has not been previously published as pathogenic or benign to our knowledge

Labcorp Genetics (formerly Invitae), Labcorp
Classification: Uncertain significance for Spastic paraplegia. Last evaluated: 2021-08-28. Review status: criteria provided, single submitter. Criteria: Invitae Variant Classification Sherloc (09022015). Collection method: clinical testing. Allele origin: germline.
Comment: This sequence change affects codon 635 of the GBA2 mRNA. It is a 'silent' change, meaning that it does not change the encoded amino acid sequence of the GBA2 protein. This variant is present in population databases (rs369401526, ExAC 0.003%). This variant has not been reported in the literature in individuals affected with GBA2-related conditions. Algorithms developed to predict the effect of sequence changes on RNA splicing suggest that this variant may create or strengthen a splice site. In summary, the available evidence is currently insufficient to determine the role of this variant in disease. Therefore, it has been classified as a Variant of Uncertain Significance.

Paris Brain Institute, Inserm - ICM
Classification: Uncertain significance for Spastic paraplegia. Review status: criteria provided, single submitter. Criteria: ACMG Guidelines, 2015. Collection method: clinical testing. Allele origin: unknown. Affected: yes. Observed: 1 variant allele.

Dr. Peter K. Rogan Lab, Western University
No classification provided (evidence only). Condition: Uterine corpus endometrial carcinoma. Review status: no classification provided. Collection method: in vitro. Allele origin: not applicable. Functional consequence: retained intron. Not counted in ClinVar's aggregate classification.